The following is an entry in ClinVar:

ClinVar aggregate classification (germline): Uncertain significance (1 of 4 stars; one submission).

Conditions:
Congenital myasthenic syndrome 13 (CMS13). Also called: Myasthenic syndrome, congenital, 13, with tubular aggregates; Myasthenic syndrome, congenital, with tubular aggregates 2. Identifiers: Orphanet 353327, Orphanet 590, MedGen C3553645, MONDO:0013883, OMIM 614750.
DPAGT1-congenital disorder of glycosylation. Also called: CONGENITAL DISORDER OF GLYCOSYLATION, TYPE Ij; CDG Ij; DPAGT1-CDG. Identifiers: Orphanet 86309, MedGen C2931004, MONDO:0011964, OMIM 608093.

Allele frequency attached by ClinVar (database versions not stated): gnomAD exomes below 0.00001.
gnomAD v4.1: 2 of 1,614,058 alleles (0.00012%); highest among the groups gnomAD compares: Non-Finnish European, 0.00017%; no homozygotes.

Submission:

Labcorp Genetics (formerly Invitae), Labcorp
Classification: Uncertain significance for Congenital myasthenic syndrome 13; DPAGT1-congenital disorder of glycosylation. Last evaluated: 2021-02-25. Review status: criteria provided, single submitter. Criteria: Invitae Variant Classification Sherloc (09022015). Collection method: clinical testing. Allele origin: germline.
Comment: This sequence change replaces threonine with proline at codon 394 of the DPAGT1 protein (p.Thr394Pro). The threonine residue is weakly conserved and there is a small physicochemical difference between threonine and proline. This variant is not present in population databases (ExAC no frequency). This variant has not been reported in the literature in individuals with DPAGT1-related conditions. Algorithms developed to predict the effect of missense changes on protein structure and function are either unavailable or do not agree on the potential impact of this missense change (SIFT: "Deleterious"; PolyPhen-2: "Benign"; Align-GVGD: "Class C0"). In summary, the available evidence is currently insufficient to determine the role of this variant in disease. Therefore, it has been classified as a Variant of Uncertain Significance.

NM_001382.4(DPAGT1):c.1180A>C (p.Thr394Pro)

Gene: DPAGT1 (dolichyl-phosphate N-acetylglucosaminephosphotransferase 1; minus strand). Cytogenetic location: 11q23.3.
Variant type: single nucleotide variant.
Coding change: c.1180A>C on transcript NM_001382.4 (MANE Select); coding-DNA position 1180, A replaced by C.
Protein change: p.Thr394Pro; replaces threonine 394 with proline.
Molecular consequence: missense variant.
Genome position (GRCh38, 1-based): chr11:119,097,045, T>G on the plus strand (A>C on the coding strand, the complement: DPAGT1 is on the minus strand). VCF-style: chr11-119097045-T-G. GRCh37 (hg19) VCF-style: chr11-118967755-T-G.
Other names: short protein forms T394P.
Identifiers: ClinVar variation 1438778 (VCV001438778.8), dbSNP rs2134897273, ClinGen allele CA382907548.